The following is an entry in ClinVar:

ClinVar aggregate classification (germline): Uncertain significance (1 of 4 stars; one submission).

Conditions:
Joubert syndrome 23 (JBTS23). Identifiers: Orphanet 475, MedGen C4084822, MONDO:0014664, OMIM 616490.
Short-rib thoracic dysplasia 14 with polydactyly (SRTD14). Identifiers: Orphanet 397715, MedGen C4225286, MONDO:0014688, OMIM 616546.

Submission:

Labcorp Genetics (formerly Invitae), Labcorp
Classification: Uncertain significance for Joubert syndrome 23; Short-rib thoracic dysplasia 14 with polydactyly. Last evaluated: 2022-03-12. Review status: criteria provided, single submitter. Criteria: Invitae Variant Classification Sherloc (09022015). Collection method: clinical testing. Allele origin: germline.
Comment: This variant has not been reported in the literature in individuals affected with KIAA0586-related conditions. In summary, the available evidence is currently insufficient to determine the role of this variant in disease. Therefore, it has been classified as a Variant of Uncertain Significance. Algorithms developed to predict the effect of missense changes on protein structure and function are either unavailable or do not agree on the potential impact of this missense change (SIFT: "Deleterious"; PolyPhen-2: "Benign"; Align-GVGD: "Class C0"). This variant is not present in population databases (gnomAD no frequency). This sequence change replaces serine, which is neutral and polar, with cysteine, which is neutral and slightly polar, at codon 1198 of the KIAA0586 protein (p.Ser1198Cys).

NM_001329943.3(KIAA0586):c.3433A>T (p.Ser1145Cys)

Gene: KIAA0586 (KIAA0586; plus strand). Cytogenetic location: 14q23.1.
Variant type: single nucleotide variant.
Coding change: c.3433A>T on transcript NM_001329943.3 (MANE Select); coding-DNA position 3433, A replaced by T.
Protein change: p.Ser1145Cys; replaces serine 1145 with cysteine.
Molecular consequence: missense variant.
Genome position (GRCh38, 1-based): chr14:58,488,015, A>T. VCF-style: chr14-58488015-A-T. GRCh37 (hg19) VCF-style: chr14-58954733-A-T.
Other names: c.3592A>T, p.Ser1198Cys (NM_001244189.2); c.3388A>T, p.Ser1130Cys (NM_001244190.2); c.3178A>T, p.Ser1060Cys (NM_001244191.2, NM_001329945.2, NM_001364700.1 and 1 more transcripts); c.3301A>T, p.Ser1101Cys (NM_001244192.2); c.3013A>T, p.Ser1005Cys (NM_001244193.2); c.3433A>T, p.Ser1145Cys (NM_001329944.2, NM_001329946.2, NM_001329947.2); c.3205A>T, p.Ser1069Cys (NM_014749.5); short protein forms S1005C, S1101C, S1145C, S1060C, S1069C, S1130C, S1198C.
Identifiers: ClinVar variation 2109628 (VCV002109628.4), dbSNP rs770919689, ClinGen allele CA7206157.